The following is an entry in ClinVar:

NM_001013838.3(CARMIL2):c.3683G>A (p.Gly1228Asp)

Gene: CARMIL2 (capping protein regulator and myosin 1 linker 2; plus strand). Cytogenetic location: 16q22.1.
Variant type: single nucleotide variant.
Coding change: c.3683G>A on transcript NM_001013838.3 (MANE Select); coding-DNA position 3683, G replaced by A.
Protein change: p.Gly1228Asp; replaces glycine 1228 with aspartic acid.
Molecular consequence: missense variant.
Genome position (GRCh38, 1-based): chr16:67,654,878, G>A. VCF-style: chr16-67654878-G-A. GRCh37 (hg19) VCF-style: chr16-67688781-G-A.
Other names: c.3575G>A, p.Gly1192Asp (NM_001317026.3); short protein forms G1228D, G1192D.
Identifiers: ClinVar variation 2069705 (VCV002069705.4), dbSNP rs2052811987, ClinGen allele CA396345950.
Genomic context (GRCh38, chr16:67,654,878, plus strand): 5'-CCTTTGAACAGCGGGTACAAGTAATGCTGCAGAGGATAGGCGTCAGCCGAGGCAGCGGGG[G>A]TGCCGAAGGCAAGAGGAAGCAAGTGAGTTGAGGGGACCTGAGCATGAAGTGAGAGGGCAG-3'
Protein context (NP_001013860.1, residues 1218-1238): QRIGVSRGSG[Gly1228Asp]AEGKRKQSKD

ClinVar aggregate classification (germline): Uncertain significance (1 of 4 stars; one submission).

Allele frequency attached by ClinVar (database versions not stated): TOPMed 0.00001.
gnomAD v4.1: 1 of 1,613,766 alleles (0.000062%); no homozygotes.

Submission:

Labcorp Genetics (formerly Invitae), Labcorp
Classification: Uncertain significance. Last evaluated: 2022-04-15. Review status: criteria provided, single submitter. Criteria: Invitae Variant Classification Sherloc (09022015). Collection method: clinical testing. Allele origin: germline.
Comment: In summary, the available evidence is currently insufficient to determine the role of this variant in disease. Therefore, it has been classified as a Variant of Uncertain Significance. Algorithms developed to predict the effect of missense changes on protein structure and function (SIFT, PolyPhen-2, Align-GVGD) all suggest that this variant is likely to be tolerated. This variant has not been reported in the literature in individuals affected with CARMIL2-related conditions. This variant is not present in population databases (gnomAD no frequency). This sequence change replaces glycine, which is neutral and non-polar, with aspartic acid, which is acidic and polar, at codon 1228 of the CARMIL2 protein (p.Gly1228Asp).